The following is an entry in ClinVar:

ClinVar aggregate classification (germline): Likely benign. Review status: criteria provided, multiple submitters, no conflicts (2 of 4 stars). 3 submissions from 3 submitters: Likely benign (2). 1 of the submissions does not count toward it. Last evaluated 2024-06-03.

Conditions:
Cortical dysplasia-focal epilepsy syndrome (PTHSL1). Also called: Pitt-Hopkins-like syndrome 1. Identifiers: Orphanet 163681, Orphanet 221150, MedGen C2750246, MONDO:0012400, OMIM 610042.
CNTNAP2-related disorder. Also called: CNTNAP2-related condition.
Inborn genetic diseases. Identifiers: MedGen C0950123, MeSH D030342.

Allele frequency attached by ClinVar (database versions not stated): TOPMed 0.00002; gnomAD 0.00003 and 0.00004.
gnomAD v4.1: 65 of 1,612,278 alleles (0.004%); highest among the groups gnomAD compares: Non-Finnish European, 0.0049%; no homozygotes.

Submissions (3):

Labcorp Genetics (formerly Invitae), Labcorp
Classification: Likely benign for Cortical dysplasia-focal epilepsy syndrome. Last evaluated: 2024-06-03. Review status: criteria provided, single submitter. Criteria: Invitae Variant Classification Sherloc (09022015). Collection method: clinical testing. Allele origin: germline.

Ambry Genetics
Classification: Likely benign for Inborn genetic diseases. Last evaluated: 2017-07-27. Review status: criteria provided, single submitter. Criteria: Ambry Variant Classification Scheme 2023. Collection method: clinical testing. Allele origin: germline.

PreventionGenetics, part of Exact Sciences
Classification: Likely benign for CNTNAP2-related condition. Last evaluated: 2022-03-16. Review status: no assertion criteria provided. Collection method: clinical testing. Allele origin: germline. Not counted in ClinVar's aggregate classification.
Comment: This variant is classified as likely benign based on ACMG/AMP sequence variant interpretation guidelines (Richards et al. 2015 PMID: 25741868, with internal and published modifications).

NM_014141.6(CNTNAP2):c.1635G>A (p.Ala545=)

Gene: CNTNAP2 (contactin associated protein 2; plus strand). Cytogenetic location: 7q35.
Variant type: single nucleotide variant.
Coding change: c.1635G>A on transcript NM_014141.6 (MANE Select); coding-DNA position 1635, G replaced by A.
Protein change: p.Ala545=; no amino-acid change (alanine 545 retained).
Molecular consequence: synonymous variant.
Genome position (GRCh38, 1-based): chr7:147,395,745, G>A. VCF-style: chr7-147395745-G-A. GRCh37 (hg19) VCF-style: chr7-147092837-G-A.
Identifiers: ClinVar variation 699124 (VCV000699124.15), dbSNP rs755959345, ClinGen allele CA4546130.